The following is an entry in ClinVar:

ClinVar aggregate classification (germline): Uncertain significance (1 of 4 stars; one submission).

Conditions:
Cutis laxa, autosomal recessive, type 1A (ARCL1A). Also called: Autosomal recessive cutis laxa type IA. Identifiers: Orphanet 90349, MedGen C5848058, MONDO:0009052, OMIM 219100.

Submission:

3billion
Classification: Uncertain significance for Cutis laxa, autosomal recessive, type 1A. Last evaluated: 2023-10-19. Review status: criteria provided, single submitter. Criteria: ACMG Guidelines, 2015. Collection method: clinical testing. Allele origin: germline. Affected: yes.
Comment: The variant is not observed in the gnomAD v2.1.1 dataset. Predicted Consequence/Location: Missense variant In silico tool predictions suggest damaging effect of the variant on gene or gene product [REVEL: 0.95 (>=0.6, sensitivity 0.68 and specificity 0.92)]. Therefore, this variant is classified as VUS according to the recommendation of ACMG/AMP guideline.

NM_006329.4(FBLN5):c.662G>A (p.Cys221Tyr)

Gene: FBLN5 (fibulin 5; minus strand). Cytogenetic location: 14q32.12.
Variant type: single nucleotide variant.
Coding change: c.662G>A on transcript NM_006329.4 (MANE Select); coding-DNA position 662, G replaced by A.
Protein change: p.Cys221Tyr; replaces cysteine 221 with tyrosine.
Molecular consequence: missense variant.
Genome position (GRCh38, 1-based): chr14:91,887,270, C>T on the plus strand (G>A on the coding strand, the complement: FBLN5 is on the minus strand). VCF-style: chr14-91887270-C-T. GRCh37 (hg19) VCF-style: chr14-92353614-C-T.
Other names: c.785G>A, p.Cys262Tyr (NM_001384158.1); c.713G>A, p.Cys238Tyr (NM_001384159.1); c.662G>A, p.Cys221Tyr (NM_001384160.1); c.494G>A, p.Cys165Tyr (NM_001384161.1, NM_001384162.1); short protein forms C165Y, C221Y, C238Y, C262Y.
Identifiers: ClinVar variation 3775653 (VCV003775653.1).